The following is an entry in ClinVar:

NM_006158.5(NEFL):c.637A>G (p.Ile213Val)

Gene: NEFL (neurofilament light chain; minus strand). Cytogenetic location: 8p21.2.
Variant type: single nucleotide variant.
Coding change: c.637A>G on transcript NM_006158.5 (MANE Select); coding-DNA position 637, A replaced by G.
Protein change: p.Ile213Val; replaces isoleucine 213 with valine.
Molecular consequence: missense variant.
Genome position (GRCh38, 1-based): chr8:24,955,879, T>C on the plus strand (A>G on the coding strand, the complement: NEFL is on the minus strand). VCF-style: chr8-24955879-T-C. GRCh37 (hg19) VCF-style: chr8-24813393-T-C.
Other names: short protein forms I213V.
Identifiers: ClinVar variation 646501 (VCV000646501.7), dbSNP rs538481538, ClinGen allele CA370621968.

ClinVar aggregate classification (germline): Uncertain significance. Review status: criteria provided, multiple submitters, no conflicts (2 of 4 stars). 2 submissions from 2 submitters: Uncertain significance (2). Last evaluated 2019-02-11.

Conditions:
Charcot-Marie-Tooth disease. Also called: Charcot-Marie-Tooth Hereditary Neuropathy; Charcot-Marie-Tooth Neuropathy. Identifiers: Orphanet 166, MedGen C0007959, MONDO:0015626.
Charcot-Marie-Tooth disease type 2E (CMT2E). Also called: CHARCOT-MARIE-TOOTH NEUROPATHY, TYPE 2E; CHARCOT-MARIE-TOOTH DISEASE, AXONAL, TYPE 2E. Identifiers: Orphanet 99939, MedGen C1843225, MONDO:0011894, OMIM 607684.

Allele frequency attached by ClinVar (database versions not stated): gnomAD exomes below 0.00001; gnomAD 0.00001.
gnomAD v4.1: 8 of 1,607,580 alleles (0.0005%); highest among the groups gnomAD compares: Non-Finnish European, 0.00059%; no homozygotes.

Submissions (2):

Labcorp Genetics (formerly Invitae), Labcorp
Classification: Uncertain significance for Charcot-Marie-Tooth disease type 2E. Last evaluated: 2019-02-11. Review status: criteria provided, single submitter. Criteria: Invitae Variant Classification Sherloc (09022015). Collection method: clinical testing. Allele origin: germline.
Comment: In summary, the available evidence is currently insufficient to determine the role of this variant in disease. Therefore, it has been classified as a Variant of Uncertain Significance. Algorithms developed to predict the effect of missense changes on protein structure and function (SIFT, PolyPhen-2, Align-GVGD) all suggest that this variant is likely to be tolerated, but these predictions have not been confirmed by published functional studies and their clinical significance is uncertain. This variant is not present in population databases (ExAC no frequency). This sequence change replaces isoleucine with valine at codon 213 of the NEFL protein (p.Ile213Val). The isoleucine residue is moderately conserved and there is a small physicochemical difference between isoleucine and valine.

Molecular Genetics Laboratory, London Health Sciences Centre
Classification: Uncertain significance for Charcot-Marie-Tooth disease. Review status: criteria provided, single submitter. Criteria: ACMG Guidelines, 2015. Collection method: clinical testing. Allele origin: germline. Affected: yes.